The following is an entry in ClinVar:

NM_001283009.2(RTEL1):c.2798C>T (p.Ala933Val)

Genes: RTEL1 (regulator of telomere elongation helicase 1; plus strand), RTEL1-TNFRSF6B (RTEL1-TNFRSF6B readthrough (NMD candidate); plus strand). Cytogenetic location: 20q13.33.
Variant type: single nucleotide variant.
Coding change: c.2798C>T on transcript NM_001283009.2 (MANE Select); coding-DNA position 2798, C replaced by T.
Protein change: p.Ala933Val; replaces alanine 933 with valine.
Molecular consequence: missense variant. On other transcripts: non-coding transcript variant (1).
Genome position (GRCh38, 1-based): chr20:63,692,950, C>T. VCF-style: chr20-63692950-C-T. GRCh37 (hg19) VCF-style: chr20-62324303-C-T.
Other names: c.2129C>T, p.Ala710Val (NM_001283010.1); c.2798C>T, p.Ala933Val (NM_016434.4); c.2870C>T, p.Ala957Val (NM_032957.5); c.2870C>T (NM_032957.4); short protein forms A957V, A710V, A933V.
Identifiers: ClinVar variation 1398218 (VCV001398218.7), dbSNP rs541761600, ClinGen allele CA9965543.

ClinVar aggregate classification (germline): Uncertain significance. Review status: criteria provided, multiple submitters, no conflicts (2 of 4 stars). 3 submissions from 3 submitters: Uncertain significance (3). Last evaluated 2025-07-15.

Conditions:
Pulmonary fibrosis and/or bone marrow failure, Telomere-related, 3. Also called: PULMONARY FIBROSIS AND/OR BONE MARROW FAILURE SYNDROME, TELOMERE-RELATED, 3. Identifiers: Orphanet 2032, MedGen C4225346, MONDO:0014613, OMIM 616373.
Dyskeratosis congenita, autosomal recessive 5 (DKCB5). Identifiers: MedGen C3554656, MONDO:0014076, OMIM 615190.
Inborn genetic diseases. Identifiers: MedGen C0950123, MeSH D030342.

Allele frequency attached by ClinVar (database versions not stated): gnomAD 0.00001; gnomAD exomes 0.00001; ExAC 0.00002; 1000 Genomes Project 30x 0.00016; 1000 Genomes Project 0.00020.
gnomAD v4.1: 7 of 1,612,674 alleles (0.00043%); highest among the groups gnomAD compares: South Asian, 0.0033%; no homozygotes.

Submissions (3):

Ambry Genetics
Classification: Uncertain significance for Inborn genetic diseases. Last evaluated: 2025-07-15. Review status: criteria provided, single submitter. Criteria: Ambry Variant Classification Scheme 2023. Collection method: clinical testing. Allele origin: germline.
Comment: The p.A933V variant (also known as c.2798C>T), located in coding exon 28 of the RTEL1 gene, results from a C to T substitution at nucleotide position 2798. The alanine at codon 933 is replaced by valine, an amino acid with similar properties. This amino acid position is conserved. In addition, this alteration is predicted to be tolerated by in silico analysis. Based on the available evidence, the clinical significance of this variant remains unclear.

GeneDx
Classification: Uncertain significance. Last evaluated: 2024-03-03. Review status: criteria provided, single submitter. Criteria: GeneDx Variant Classification Process June 2021. Collection method: clinical testing. Allele origin: germline. Affected: yes.
Comment: Not observed at significant frequency in large population cohorts (gnomAD); In silico analysis supports that this missense variant has a deleterious effect on protein structure/function; Has not been previously published as pathogenic or benign to our knowledge

Labcorp Genetics (formerly Invitae), Labcorp
Classification: Uncertain significance for Dyskeratosis congenita, autosomal recessive 5; Pulmonary fibrosis and/or bone marrow failure, Telomere-related, 3. Last evaluated: 2021-08-31. Review status: criteria provided, single submitter. Criteria: Invitae Variant Classification Sherloc (09022015). Collection method: clinical testing. Allele origin: germline.
Comment: This sequence change replaces alanine with valine at codon 933 of the RTEL1 protein (p.Ala933Val). The alanine residue is moderately conserved and there is a small physicochemical difference between alanine and valine. This variant is present in population databases (rs541761600, ExAC 0.01%). This variant has not been reported in the literature in individuals affected with RTEL1-related conditions. Algorithms developed to predict the effect of missense changes on protein structure and function are either unavailable or do not agree on the potential impact of this missense change (SIFT: "Tolerated"; PolyPhen-2: "Possibly Damaging"; Align-GVGD: "Class C0"). In summary, the available evidence is currently insufficient to determine the role of this variant in disease. Therefore, it has been classified as a Variant of Uncertain Significance.